The following is an entry in ClinVar:

NM_014319.5(LEMD3):c.346G>C (p.Glu116Gln)

Genes: LEMD3 (LEM domain containing 3; plus strand), LOC130008224 (ATAC-STARR-seq lymphoblastoid silent region 4630; plus strand). Cytogenetic location: 12q14.3.
Variant type: single nucleotide variant.
Coding change: c.346G>C on transcript NM_014319.5 (MANE Select); coding-DNA position 346, G replaced by C.
Protein change: p.Glu116Gln; replaces glutamic acid 116 with glutamine.
Molecular consequence: missense variant.
Genome position (GRCh38, 1-based): chr12:65,169,942, G>C. VCF-style: chr12-65169942-G-C. GRCh37 (hg19) VCF-style: chr12-65563722-G-C.
Other names: c.346G>C, p.Glu116Gln (NM_001167614.2); short protein forms E116Q.
Identifiers: ClinVar variation 3620503 (VCV003620503.2).

ClinVar aggregate classification (germline): Uncertain significance (1 of 4 stars; one submission).

Submission:

Labcorp Genetics (formerly Invitae), Labcorp
Classification: Uncertain significance. Last evaluated: 2024-10-01. Review status: criteria provided, single submitter. Criteria: Invitae Variant Classification Sherloc (09022015). Collection method: clinical testing. Allele origin: germline.
Comment: This sequence change replaces glutamic acid, which is acidic and polar, with glutamine, which is neutral and polar, at codon 116 of the LEMD3 protein (p.Glu116Gln). This variant is not present in population databases (gnomAD no frequency). This variant has not been reported in the literature in individuals affected with LEMD3-related conditions. An algorithm developed to predict the effect of missense changes on protein structure and function (PolyPhen-2) suggests that this variant is likely to be tolerated. In summary, the available evidence is currently insufficient to determine the role of this variant in disease. Therefore, it has been classified as a Variant of Uncertain Significance.